The following is an entry in ClinVar:

NM_002474.3(MYH11):c.3259AAG[1] (p.Lys1088del)

Gene: MYH11 (myosin heavy chain 11; minus strand). Cytogenetic location: 16p13.11.
Variant type: Microsatellite.
Coding change: c.3259AAG[1] on transcript NM_002474.3 (MANE Select); one copy of the 3-base unit AAG starting at c.3259; the reference has two copies in a row; one copy, 3 bases deleted.
Protein change: p.Lys1088del; deletes lysine 1088.
Molecular consequence: inframe deletion.
Genome position (GRCh38, 1-based): chr16:15,737,478-15,737,480, CTT deleted on the plus strand (AAG on the coding strand, the reverse complement: MYH11 is on the minus strand); deleting any 3 consecutive bases within chr16:15,737,478-15,737,483 gives the same sequence; the position shown is the placement nearest the transcript's 3' end. VCF-style (leftmost placement, unchanged base first): chr16-15737477-CCTT-C. GRCh37 (hg19) VCF-style: chr16-15831334-CCTT-C.
Other names: c.3280AAG[1], p.Lys1095del (NM_001040113.2, NM_001040114.2); c.3259AAG[1], p.Lys1088del (NM_022844.3); short protein forms K1088del, K1095del.
Identifiers: ClinVar variation 3072873 (VCV003072873.1), dbSNP rs2506185427, ClinGen allele CA2631943528.

ClinVar aggregate classification (germline): Uncertain significance (1 of 4 stars; one submission).

Conditions:
Familial thoracic aortic aneurysm and aortic dissection (TAAD). Also called: Thoracic aortic aneurysms and dissections. Identifiers: Orphanet 91387, MedGen C4707243, MONDO:0019625.

Submission:

All of Us Research Program, National Institutes of Health
Classification: Uncertain significance for Familial thoracic aortic aneurysm and aortic dissection. Last evaluated: 2023-08-15. Review status: criteria provided, single submitter. Criteria: ACMG Guidelines, 2015. Collection method: clinical testing. Allele origin: germline. Inheritance: Autosomal dominant inheritance. Observed: 1 variant allele, 1 heterozygote.
Comment: This variant causes an in-frame deletion of one amino acid at exon 26 of the MYH11 protein. To our knowledge, functional studies have not been reported for this variant. This variant has not been reported in individuals affected with MYH11-related disorders in the literature. This variant has not been identified in the general population by the Genome Aggregation Database (gnomAD). The available evidence is insufficient to determine the role of this variant in disease conclusively. Therefore, this variant is classified as a Variant of Uncertain Significance.

This study involves interpretation of variants in research participants for the purpose of population health screening. Participant phenotype was not available at the time of variant classification. Additional details can be found in publication PMID: 35346344, PMCID: PMC8962531